The following is an entry in ClinVar:

ClinVar aggregate classification (germline): Conflicting classifications of pathogenicity. Review status: criteria provided, conflicting classifications (1 of 4 stars). 3 submissions from 3 submitters: Uncertain significance (1); Likely benign (1). 1 of the submissions does not count toward it. Last evaluated 2023-12-26.

Conditions:
Cardiovascular phenotype. Identifiers: MedGen CN230736.
Alstrom syndrome (ALMS). Identifiers: Orphanet 64, MedGen C0268425, MONDO:0008763, OMIM 203800.
ALMS1-related disorder. Also called: ALMS1-related condition.

Allele frequency attached by ClinVar (database versions not stated): gnomAD exomes below 0.00001; ExAC 0.00002.
gnomAD v4.1: 4 of 1,613,856 alleles (0.00025%); highest among the groups gnomAD compares: Non-Finnish European, 0.00025%; no homozygotes.

Submissions (3):

Ambry Genetics
Classification: Likely benign for Cardiovascular phenotype. Last evaluated: 2023-12-26. Review status: criteria provided, single submitter. Criteria: Ambry Variant Classification Scheme 2023. Collection method: clinical testing. Allele origin: germline.

Labcorp Genetics (formerly Invitae), Labcorp
Classification: Uncertain significance for Alstrom syndrome. Last evaluated: 2022-06-22. Review status: criteria provided, single submitter. Criteria: Invitae Variant Classification Sherloc (09022015). Collection method: clinical testing. Allele origin: germline.
Comment: This sequence change replaces threonine, which is neutral and polar, with alanine, which is neutral and non-polar, at codon 3759 of the ALMS1 protein (p.Thr3759Ala). This variant is present in population databases (rs774579597, gnomAD 0.01%). This variant has not been reported in the literature in individuals affected with ALMS1-related conditions. Experimental studies and prediction algorithms are not available or were not evaluated, and the functional significance of this variant is currently unknown. In summary, the available evidence is currently insufficient to determine the role of this variant in disease. Therefore, it has been classified as a Variant of Uncertain Significance.

PreventionGenetics, part of Exact Sciences
Classification: Uncertain significance for ALMS1-related condition. Last evaluated: 2024-05-17. Review status: no assertion criteria provided. Collection method: clinical testing. Allele origin: germline. Not counted in ClinVar's aggregate classification.
Comment: The ALMS1 c.11275A>G variant is predicted to result in the amino acid substitution p.Thr3759Ala. To our knowledge, this variant has not been reported in the literature. This variant is reported in 0.0018% of alleles in individuals of European (Non-Finnish) descent in gnomAD. At this time, the clinical significance of this variant is uncertain due to the absence of conclusive functional and genetic evidence.

NM_001378454.1(ALMS1):c.11272A>G (p.Thr3758Ala)

Gene: ALMS1 (ALMS1 centrosome and basal body associated protein; plus strand). Cytogenetic location: 2p13.1.
Variant type: single nucleotide variant.
Coding change: c.11272A>G on transcript NM_001378454.1 (MANE Select); coding-DNA position 11272, A replaced by G.
Protein change: p.Thr3758Ala; replaces threonine 3758 with alanine.
Molecular consequence: missense variant.
Genome position (GRCh38, 1-based): chr2:73,573,149, A>G. VCF-style: chr2-73573149-A-G. GRCh37 (hg19) VCF-style: chr2-73800276-A-G.
Other names: c.11275A>G, p.Thr3759Ala (NM_015120.4); short protein forms T3758A, T3759A.
Identifiers: ClinVar variation 1992195 (VCV001992195.3), dbSNP rs774579597, ClinGen allele CA1715149.